The following is an entry in ClinVar:

ClinVar aggregate classification (germline): Likely benign. Review status: criteria provided, multiple submitters, no conflicts (2 of 4 stars). 5 submissions from 5 submitters: Likely benign (5). Last evaluated 2025-09-15.

Conditions:
Hypercholesterolemia, autosomal dominant, type B (FHCL2). Also called: Familial Hypercholesterolemia Type B; Hyperlipoproteinemia Type IIb; APOB-Related Familial Hypercholesterolemia, Autosomal Dominant; Familial hypercholesterolemia 2; HYPERCHOLESTEROLEMIA, FAMILIAL, DUE TO LIGAND-DEFECTIVE APOLIPOPROTEIN B; APOLIPOPROTEIN B-100, FAMILIAL DEFECTIVE. Identifiers: MedGen C1704417, MONDO:0007751, OMIM 144010.
Familial hypobetalipoproteinemia 1. Also called: Hypobetalipoproteinemia, normotriglyceridemic; Acanthocytosis with hypobetalipoproteinemia; APOB-Related Familial Hypobetalipoproteinemia. Identifiers: MedGen C4551990, MONDO:0014252, OMIM 615558.
Familial hypercholesterolemia. Also called: Familial hypercholesterolemias; Familial hypercholesterolaemia. Identifiers: MedGen C0020445, MONDO:0005439.
Cardiovascular phenotype. Identifiers: MedGen CN230736.

Allele frequency attached by ClinVar (database versions not stated): ExAC 0.00002; gnomAD exomes 0.00002; gnomAD 0.00005 and 0.00006; TOPMed 0.00016.
gnomAD v4.1: 44 of 1,614,014 alleles (0.0027%); highest among the groups gnomAD compares: Admixed American, 0.017%; no homozygotes.

Submissions (5):

Labcorp Genetics (formerly Invitae), Labcorp
Classification: Likely benign for Familial hypobetalipoproteinemia 1; Hypercholesterolemia, autosomal dominant, type B. Last evaluated: 2025-09-15. Review status: criteria provided, single submitter. Criteria: Invitae Variant Classification Sherloc (09022015). Collection method: clinical testing. Allele origin: germline.

GENinCode PLC
Classification: Likely benign for Familial hypercholesterolemia. Last evaluated: 2025-05-22. Review status: criteria provided, single submitter. Criteria: ACMG Guidelines, 2015. Collection method: clinical testing. Allele origin: germline.
Comment: This is a synonymous (silent) variant that is not predicted to impact splicing and occurs at a nucleotide which is not highly conserved. This variant has been classified as Likely Benign (BP4, BP7).

Blueprint Genetics
Classification: Likely benign. Last evaluated: 2024-11-22. Review status: criteria provided, single submitter. Criteria: ACMG Guidelines, 2015. Collection method: clinical testing. Allele origin: germline.

CeGaT Center for Human Genetics Tuebingen
Classification: Likely benign. Last evaluated: 2024-08-01. Review status: criteria provided, single submitter. Criteria: CeGaT Center For Human Genetics Tuebingen Variant Classification Criteria Version 2. Collection method: clinical testing. Allele origin: germline. Affected: yes. Observed: 2 variant alleles.
Comment: APOB: BP4, BP7

Ambry Genetics
Classification: Likely benign for Cardiovascular phenotype. Last evaluated: 2022-05-02. Review status: criteria provided, single submitter. Criteria: Ambry Variant Classification Scheme 2023. Collection method: clinical testing. Allele origin: germline.

NM_000384.3(APOB):c.6255A>G (p.Arg2085=)

Gene: APOB (apolipoprotein B; minus strand). Cytogenetic location: 2p24.1.
Variant type: single nucleotide variant.
Coding change: c.6255A>G on transcript NM_000384.3 (MANE Select); coding-DNA position 6255, A replaced by G.
Protein change: p.Arg2085=; no amino-acid change (arginine 2085 retained).
Molecular consequence: synonymous variant.
Genome position (GRCh38, 1-based): chr2:21,010,613, T>C on the plus strand (A>G on the coding strand, the complement: APOB is on the minus strand). VCF-style: chr2-21010613-T-C. GRCh37 (hg19) VCF-style: chr2-21233485-T-C.
Identifiers: ClinVar variation 927952 (VCV000927952.31), dbSNP rs779753415, ClinGen allele CA063028.